The following is an entry in ClinVar:

ClinVar aggregate classification (germline): Pathogenic (1 of 4 stars; one submission).

Submission:

Labcorp Genetics (formerly Invitae), Labcorp
Classification: Pathogenic. Last evaluated: 2022-08-19. Review status: criteria provided, single submitter. Criteria: Invitae Variant Classification Sherloc (09022015). Collection method: clinical testing. Allele origin: germline.
Comment: For these reasons, this variant has been classified as Pathogenic. A similar copy number variant has been observed in individual(s) with Usher syndrome (PMID: 20538994, 21436283). In at least one individual the data is consistent with being in trans (on the opposite chromosome) from a pathogenic variant. This variant is a gross deletion of the genomic region encompassing exon(s) 3 of the PCDH15 gene. This variant would be expected to be in-frame, preserving the integrity of the reading frame.

Literature cited by the submitters: PubMed 20538994; PubMed 21436283.

NC_000010.10:g.(?_56287562)_(56288172_?)del

Gene: PCDH15 (protocadherin related 15; minus strand). Cytogenetic location: 10q21.1.
Variant type: Deletion.
Identifiers: ClinVar variation 2427098 (VCV002427098.4).